The following is an entry in ClinVar:

ClinVar aggregate classification (germline): Uncertain significance. Review status: criteria provided, single submitter (1 of 4 stars). 2 submissions from 2 submitters: Uncertain significance (1). 1 of the submissions does not count toward it. Last evaluated 2023-12-11.

Conditions:
NTRK2-related disorder. Also called: NTRK2-related condition.

Allele frequency attached by ClinVar (database versions not stated): gnomAD exomes below 0.00001; TOPMed below 0.00001; gnomAD 0.00001.
gnomAD v4.1: 2 of 1,613,870 alleles (0.00012%); highest among the groups gnomAD compares: Non-Finnish European, 0.00017%; no homozygotes.

Submissions (2):

Labcorp Genetics (formerly Invitae), Labcorp
Classification: Uncertain significance. Last evaluated: 2023-12-11. Review status: criteria provided, single submitter. Criteria: Invitae Variant Classification Sherloc (09022015). Collection method: clinical testing. Allele origin: germline.
Comment: This sequence change replaces valine, which is neutral and non-polar, with alanine, which is neutral and non-polar, at codon 587 of the NTRK2 protein (p.Val587Ala). This variant is present in population databases (no rsID available, gnomAD 0.002%). This variant has not been reported in the literature in individuals affected with NTRK2-related conditions. Advanced modeling of protein sequence and biophysical properties (such as structural, functional, and spatial information, amino acid conservation, physicochemical variation, residue mobility, and thermodynamic stability) performed at Invitae indicates that this missense variant is not expected to disrupt NTRK2 protein function with a negative predictive value of 80%. In summary, the available evidence is currently insufficient to determine the role of this variant in disease. Therefore, it has been classified as a Variant of Uncertain Significance.

PreventionGenetics, part of Exact Sciences
Classification: Uncertain significance for NTRK2-related condition. Last evaluated: 2024-04-13. Review status: no assertion criteria provided. Collection method: clinical testing. Allele origin: germline. Not counted in ClinVar's aggregate classification.
Comment: The NTRK2 c.1760T>C variant is predicted to result in the amino acid substitution p.Val587Ala. To our knowledge, this variant has not been reported in the literature. This variant is reported in 0.013% of alleles in individuals of European (Non-Finnish) descent in gnomAD. At this time, the clinical significance of this variant is uncertain due to the absence of conclusive functional and genetic evidence.

NM_006180.6(NTRK2):c.1760T>C (p.Val587Ala)

Gene: NTRK2 (neurotrophic receptor tyrosine kinase 2; plus strand). Cytogenetic location: 9q21.33.
Variant type: single nucleotide variant.
Coding change: c.1760T>C on transcript NM_006180.6 (MANE Select); coding-DNA position 1760, T replaced by C.
Protein change: p.Val587Ala; replaces valine 587 with alanine.
Molecular consequence: missense variant.
Genome position (GRCh38, 1-based): chr9:84,934,288, T>C. VCF-style: chr9-84934288-T-C. GRCh37 (hg19) VCF-style: chr9-87549203-T-C.
Other names: c.1760T>C (NM_006180.4); c.1712T>C, p.Val571Ala (NM_001018064.3, NM_001369532.1, NM_001369533.1); c.1676T>C, p.Val559Ala (NM_001369534.1); c.1244T>C, p.Val415Ala (NM_001369535.1); c.1292T>C, p.Val431Ala (NM_001369536.1); c.1760T>C, p.Val587Ala (NM_001381928.1); short protein forms V559A, V587A, V415A, V431A, V571A.
Identifiers: ClinVar variation 2857699 (VCV002857699.4), dbSNP rs1235066441, ClinGen allele CA374006601.